The following is an entry in ClinVar:

ClinVar aggregate classification (germline): Pathogenic (1 of 4 stars; one submission).

Conditions:
Arrhythmogenic cardiomyopathy with wooly hair and keratoderma. Also called: Dilated cardiomyopathy with woolly hair and keratoderma; PALMOPLANTAR KERATODERMA WITH LEFT VENTRICULAR CARDIOMYOPATHY AND WOOLLY HAIR; Carvajal syndrome; Arrhythmogenic cardiomyopathy with woolly hair and keratoderma. Identifiers: Orphanet 65282, MedGen C1854063, MONDO:0011581, OMIM 605676.
Arrhythmogenic right ventricular dysplasia 8 (ARVD8). Also called: Arrhythmogenic Right Ventricular Dysplasia/Cardiomyopathy 8; ARRHYTHMOGENIC RIGHT VENTRICULAR DYSPLASIA, FAMILIAL, 8; ARRHYTHMOGENIC RIGHT VENTRICULAR CARDIOMYOPATHY 8. Identifiers: MedGen C1843896, MONDO:0011831, OMIM 607450.

Submission:

Labcorp Genetics (formerly Invitae), Labcorp
Classification: Pathogenic for Arrhythmogenic cardiomyopathy with wooly hair and keratoderma; Arrhythmogenic right ventricular dysplasia 8. Last evaluated: 2024-05-17. Review status: criteria provided, single submitter. Criteria: Invitae Variant Classification Sherloc (09022015). Collection method: clinical testing. Allele origin: germline.
Comment: This sequence change creates a premature translational stop signal (p.Gln436Cysfs*5) in the DSP gene. It is expected to result in an absent or disrupted protein product. Loss-of-function variants in DSP are known to be pathogenic (PMID: 20716751, 24503780, 25227139). This variant is not present in population databases (gnomAD no frequency). This variant has not been reported in the literature in individuals affected with DSP-related conditions. For these reasons, this variant has been classified as Pathogenic.

Literature cited by the submitters: PubMed 20716751; PubMed 24503780; PubMed 25227139.

NM_004415.4(DSP):c.1304_1305dup (p.Gln436fs)

Gene: DSP (desmoplakin; plus strand). Cytogenetic location: 6p24.3.
Variant type: Duplication.
Coding change: c.1304_1305dup on transcript NM_004415.4 (MANE Select); coding-DNA positions 1304 to 1305, 2 bases duplicated (TG; older notation c.1304_1305dupTG).
Protein change: p.Gln436fs; shifts the reading frame from glutamine 436.
Molecular consequence: frameshift variant.
Genome position (GRCh38, 1-based): chr6:7,568,474-7,568,475, TG duplicated; duplicating any 2 consecutive bases within chr6:7,568,473-7,568,475 gives the same sequence; the c. name uses the placement nearest the transcript's 3' end. VCF-style (leftmost placement, unchanged base first): chr6-7568472-G-GGT. GRCh37 (hg19) VCF-style: chr6-7568705-G-GGT.
Other names: c.1304_1305dup, p.Gln436fs (NM_001008844.3, NM_001319034.2, NM_001406591.1); short protein forms Q436fs.
Identifiers: ClinVar variation 3754681 (VCV003754681.2).